The following is an entry in ClinVar:

NM_004667.6(HERC2):c.3081G>T (p.Leu1027Phe)

Gene: HERC2 (HECT and RLD domain containing E3 ubiquitin protein ligase 2; minus strand). Cytogenetic location: 15q13.1.
Variant type: single nucleotide variant.
Coding change: c.3081G>T on transcript NM_004667.6 (MANE Select); coding-DNA position 3081, G replaced by T.
Protein change: p.Leu1027Phe; replaces leucine 1027 with phenylalanine.
Molecular consequence: missense variant.
Genome position (GRCh38, 1-based): chr15:28,248,706, C>A on the plus strand (G>T on the coding strand, the complement: HERC2 is on the minus strand). VCF-style: chr15-28248706-C-A. GRCh37 (hg19) VCF-style: chr15-28493852-C-A.
Other names: short protein forms L1027F.
Identifiers: ClinVar variation 3239282 (VCV003239282.19), dbSNP rs746165226.

ClinVar aggregate classification (germline): Uncertain significance (1 of 4 stars; one submission).

Allele frequency attached by ClinVar (database versions not stated): gnomAD 0.00002; ExAC 0.00003; TOPMed 0.00003; gnomAD exomes 0.00005.
gnomAD v4.1: 69 of 1,613,906 alleles (0.0043%); highest among the groups gnomAD compares: Non-Finnish European, 0.0056%; no homozygotes.

Submission:

CeGaT Center for Human Genetics Tuebingen
Classification: Uncertain significance. Last evaluated: 2024-05-01. Review status: criteria provided, single submitter. Criteria: CeGaT Center For Human Genetics Tuebingen Variant Classification Criteria Version 2. Collection method: clinical testing. Allele origin: germline. Affected: yes. Observed: 1 variant allele.
Comment: HERC2: PM2